The following is an entry in ClinVar:

NM_001298.3(CNGA3):c.1132T>A (p.Tyr378Asn)

Gene: CNGA3 (cyclic nucleotide gated channel subunit alpha 3; plus strand). Cytogenetic location: 2q11.2.
Variant type: single nucleotide variant.
Coding change: c.1132T>A on transcript NM_001298.3 (MANE Select); coding-DNA position 1132, T replaced by A.
Protein change: p.Tyr378Asn; replaces tyrosine 378 with asparagine.
Molecular consequence: missense variant.
Genome position (GRCh38, 1-based): chr2:98,396,302, T>A. VCF-style: chr2-98396302-T-A. GRCh37 (hg19) VCF-style: chr2-99012765-T-A.
Other names: c.1078T>A, p.Tyr360Asn (NM_001079878.2); short protein forms Y378N, Y360N.
Identifiers: ClinVar variation 1388955 (VCV001388955.6), dbSNP rs2104247035, ClinGen allele CA347832896.

ClinVar aggregate classification (germline): Likely pathogenic (1 of 4 stars; one submission).

Submission:

Labcorp Genetics (formerly Invitae), Labcorp
Classification: Likely pathogenic. Last evaluated: 2024-10-25. Review status: criteria provided, single submitter. Criteria: Invitae Variant Classification Sherloc (09022015). Collection method: clinical testing. Allele origin: germline.
Comment: This sequence change replaces tyrosine, which is neutral and polar, with asparagine, which is neutral and polar, at codon 378 of the CNGA3 protein (p.Tyr378Asn). This variant is not present in population databases (gnomAD no frequency). This missense change has been observed in individual(s) with achromatopsia (internal data). In at least one individual the data is consistent with being in trans (on the opposite chromosome) from a pathogenic variant. ClinVar contains an entry for this variant (Variation ID: 1388955). Invitae Evidence Modeling of protein sequence and biophysical properties (such as structural, functional, and spatial information, amino acid conservation, physicochemical variation, residue mobility, and thermodynamic stability) has been performed for this missense variant. However, the output from this modeling did not meet the statistical confidence thresholds required to predict the impact of this variant on CNGA3 protein function. In summary, the currently available evidence indicates that the variant is pathogenic, but additional data are needed to prove that conclusively. Therefore, this variant has been classified as Likely Pathogenic.